The following is an entry in ClinVar:

NM_000307.5(POU3F4):c.509del (p.Pro170fs)

Gene: POU3F4 (POU class 3 homeobox 4; plus strand). Cytogenetic location: Xq21.1.
Variant type: Deletion.
Coding change: c.509del on transcript NM_000307.5 (MANE Select); coding-DNA position 509, one base deleted (C; older notation c.509delC).
Protein change: p.Pro170fs; shifts the reading frame from proline 170.
Molecular consequence: frameshift variant.
Genome position (GRCh38, 1-based): chrX:83,508,833, C deleted; the last of 5 consecutive C bases (chrX:83,508,829-83,508,833); deleting any one gives the same sequence. VCF-style (leftmost placement, unchanged base first): chrX-83508828-GC-G. GRCh37 (hg19) VCF-style: chrX-82763836-GC-G.
Other names: short protein forms P170fs.
Identifiers: ClinVar variation 2005526 (VCV002005526.4), dbSNP rs2520216275, ClinGen allele CA2580102011.
Genomic context (GRCh38, chrX:83,508,828, plus strand): 5'-GGGACTCACCCCACCTCCAGCTGCCGCCTCTGCACAGAGCCTGCACCCGGTGCTCCGAGA[GC>G]CCCCGGATCACGGCGAACTGGGCTCGCACCATTGCCAGGATCACTCCGACGAGGAGACGC-3'

ClinVar aggregate classification (germline): Pathogenic (1 of 4 stars; one submission).

Submission:

Labcorp Genetics (formerly Invitae), Labcorp
Classification: Pathogenic. Last evaluated: 2022-06-13. Review status: criteria provided, single submitter. Criteria: Invitae Variant Classification Sherloc (09022015). Collection method: clinical testing. Allele origin: germline.
Comment: For these reasons, this variant has been classified as Pathogenic. This variant disrupts a region of the POU3F4 protein in which other variant(s) (p.Glu187*) have been determined to be pathogenic (PMID: 27941975, 32048449). This suggests that this is a clinically significant region of the protein, and that variants that disrupt it are likely to be disease-causing. This variant has not been reported in the literature in individuals affected with POU3F4-related conditions. This variant is not present in population databases (gnomAD no frequency). This sequence change creates a premature translational stop signal (p.Pro170Argfs*71) in the POU3F4 gene. While this is not anticipated to result in nonsense mediated decay, it is expected to disrupt the last 192 amino acid(s) of the POU3F4 protein.

Literature cited by the submitters: PubMed 27941975; PubMed 32048449.